The following is an entry in ClinVar:

NM_014297.5(ETHE1):c.488G>A (p.Arg163Gln)

Gene: ETHE1 (ETHE1 persulfide dioxygenase; minus strand). Cytogenetic location: 19q13.31.
Variant type: single nucleotide variant.
Coding change: c.488G>A on transcript NM_014297.5 (MANE Select); coding-DNA position 488, G replaced by A.
Protein change: p.Arg163Gln; replaces arginine 163 with glutamine.
Molecular consequence: missense variant.
Genome position (GRCh38, 1-based): chr19:43,511,454, C>T on the plus strand (G>A on the coding strand, the complement: ETHE1 is on the minus strand). VCF-style: chr19-43511454-C-T. GRCh37 (hg19) VCF-style: chr19-44015606-C-T.
Other names: NM_014297.5(ETHE1):c.488G>A; c.455G>A, p.Arg152Gln (NM_001320867.2); c.119G>A, p.Arg40Gln (NM_001320868.2); c.194G>A, p.Arg65Gln (NM_001320869.2); c.488G>A (NM_014297.4); c.[488G>A] (NM_014297.4); short protein forms R163Q, R65Q, R152Q, R40Q.
Identifiers: ClinVar variation 214322 (VCV000214322.30), dbSNP rs745656120, ClinGen allele CA320215.

ClinVar aggregate classification (germline): Pathogenic. Review status: reviewed by expert panel (3 of 4 stars). 14 submissions from 14 submitters: Pathogenic (1). 13 of the submissions do not count toward it. Last evaluated 2021-07-27.

Conditions:
Type 2 diabetes mellitus. Also called: Type II diabetes mellitus. Identifiers: MedGen C0011860, MeSH D003924, MONDO:0005148, OMIM 125853, HP:0005978.
Ethylmalonic encephalopathy (EE). Also called: EPEMA syndrome; Encephalopathy, petechiae, and ethylmalonic aciduria; Syndrome of encephalopathy, petechiae, and ethylmalonic aciduria. Identifiers: Orphanet 51188, MedGen C1865349, MONDO:0011229, OMIM 602473. Disease mechanism: loss of function.

Allele frequency attached by ClinVar (database versions not stated): gnomAD 0.00002; TOPMed 0.00002; ExAC 0.00003; gnomAD exomes 0.00002 and 0.00005.

Submissions 1 to 9 of 14:

ClinGen Mitochondrial Disease Nuclear and Mitochondrial  Variant Curation Expert Panel, ClinGen
Classification: Pathogenic for Ethylmalonic encephalopathy. Last evaluated: 2021-07-27. Review status: reviewed by expert panel. Criteria: clingen mito disease acmg specifications v1-1. Collection method: curation. Allele origin: germline. Inheritance: Autosomal recessive inheritance.
Comment: The c.488G>A (NM_014297.5) variant in ETHE1 is a missense variant predicted to cause substitution of arginine by glutamine at amino acid 163 (p.R163Q). The highest population minor allele frequency for this variant in gnomAD v2.1.1 is 0.00005 (13/251,458 alleles) in the general population, which is higher than the ClinGen ETHE1 threshold < 0.00002 for PM2, thus it does not meet this criterion. This variant was originally reported in two compound heterozygous (c.131_132delAG; p. E44fsX105) relatives who both had developmental delay, petechiae, orthostatic acrocyanosis, chronic diarrhea, and ethylmalonic aciduria which is a phenotype highly specific to ethylmalonic encephalopathy (PP4_moderate; PMID: 14732903). This variant has been detected in at least 9 patients reported in the literature with ethylmalonic encephalopathy, however, many of the cases are not scoreable according to the SVI recommendation for in trans criterion for PM3, as parental phasing was not performed or the second variant was a VUS (PMID: 18593870; PMID: 16183799, PMID: 30298498). After review of scoreable cases, it was determined by the ETHE1 VCEP that four reported cases were scorable. A single relative from family L from PMID: 14732903 was awarded 1.0 as this patient was a compound heterozygote for an upstream truncating variant (c.131_132delAG; p. E44fsX105), which was confirmed in trans by segregation analysis. Additionally, while the p.E44fsX105 has not been formally curated at this time, given that the p.E44fsX105 is a truncating variant that is predicted to undergo nonsense mediated decay, it is also a strong candidate for a pathogenic classification; the VCEP agreed that this was justification to score this case as 1.0. Patients reported in PMID: 22020834 and PMID: 27771676 were each awarded 0.25 for their respective VUS’s, which were also confirmed in trans. A homozygous patient reported in PMID: 27391121 in whom homozygosity was confirmed via trio WES including parental samples was scored 0.5. This was confirmed by Baylor Genetics who performed the testing for this study (PM3_Strong; Total score- 2.0). ETHE1 encodes persulfide dioxygenase. Persulfide dioxygenase activity measured in recombinant human ETHE1 proteins (both wild-type and p.R163Q) expressed in E.Coli (purified to homogeneity) showed that the p.R163Q recombinant E.Coli only exhibited ~10% of wild-type catalytic activity, indicating that this variant impacts protein function (PS3_supporting; PMID: 25198162). One other missense variant [c.487C>T, p.R163W; PMID 14732903, PMID 16828325, PMID 16183799, PMID 28698729; ClinVar Variation ID: 2317], in the same codon has been classified as pathogenic for ethylmalonic encephalopathy by the ClinGen ETHE1 VCEP (PM5). The computational predictor [REVEL] gives a score of 0.928, which is above the threshold of 0.75, evidence that correlates with impact on ETHE1 function (PP3). In summary, this variant meets the criteria to be classified as pathogenic for Autosomal Recessive Ethylmalonic Encephalopathy. ACMG/AMP criteria applied, as specified by the ClinGen ETHE1 VCEP (version 1.0): PM3_strong, PP4_Moderate, PS3_supporting, PM5, PP3. Approved 7/12/2021.

3billion
Classification: Pathogenic for Ethylmalonic encephalopathy. Last evaluated: 2025-12-08. Review status: criteria provided, single submitter. Criteria: ACMG Guidelines, 2015. Collection method: clinical testing. Allele origin: germline. Affected: yes. Not counted in ClinVar's aggregate classification.
Comment: The variant is observed at an extremely low frequency in the gnomAD v4.1.0 dataset (total allele frequency: 0.002%). Predicted Consequence/Location: Missense variant In silico tool predictions suggest damaging effect of the variant on gene or gene product [REVEL: 0.93 (>=0.6, sensitivity 0.68 and specificity 0.92); 3Cnet: 0.99 (> 0.75, sensitivity 0.96 and precision 0.92)]. The same nucleotide change resulting in the same amino acid change has been previously reported as pathogenic/likely pathogenic with strong evidence (ClinVar ID: VCV000214322 /PMID: 14732903 /3billion dataset). The variant has been reported to be in trans with a pathogenic variant as either compound heterozygous or homozygous in at least one similarly affected unrelated individual (PMID: 18593870). Different missense changes at the same codon (p.Arg163Gly, p.Arg163Leu, p.Arg163Trp) have been reported as pathogenic/likely pathogenic with strong evidence (ClinVar ID: VCV000002317, VCV001694927 /PMID: 14732903, 17712735). Therefore, this variant is classified as Pathogenic according to the recommendation of ACMG/AMP guideline.

Natera, Inc.
Classification: Pathogenic for Ethylmalonic encephalopathy. Last evaluated: 2025-08-06. Review status: criteria provided, single submitter. Criteria: Natera Variant Classification Schema (03/2026). Collection method: clinical testing. Allele origin: germline. Not counted in ClinVar's aggregate classification.
Comment: The c.488G>A variant in ETHE1 is a missense variant predicted to cause substitution of arginine to glutamine at amino acid 163. This variant has been observed in one or more individuals affected with the associated recessive disease, as either homozygous or compound heterozygous with a second variant (PMID: 16183799). Computational prediction algorithms indicate this variant is likely to affect gene or protein function. Given the available evidence, this variant is classified as Pathogenic.

Labcorp Genetics (formerly Invitae), Labcorp
Classification: Pathogenic for Ethylmalonic encephalopathy. Last evaluated: 2024-10-23. Review status: criteria provided, single submitter. Criteria: Invitae Variant Classification Sherloc (09022015). Collection method: clinical testing. Allele origin: germline. Not counted in ClinVar's aggregate classification.
Comment: This sequence change replaces arginine, which is basic and polar, with glutamine, which is neutral and polar, at codon 163 of the ETHE1 protein (p.Arg163Gln). This variant is present in population databases (rs745656120, gnomAD 0.03%). This missense change has been observed in individuals with ethylmalonic encephalopathy (PMID: 14732903, 18593870, 26194623, 27771676, 30298498). ClinVar contains an entry for this variant (Variation ID: 214322). Invitae Evidence Modeling of protein sequence and biophysical properties (such as structural, functional, and spatial information, amino acid conservation, physicochemical variation, residue mobility, and thermodynamic stability) indicates that this missense variant is expected to disrupt ETHE1 protein function with a positive predictive value of 80%. Experimental studies have shown that this missense change affects ETHE1 function (PMID: 25198162). This variant disrupts the p.Arg163 amino acid residue in ETHE1. Other variant(s) that disrupt this residue have been observed in individuals with ETHE1-related conditions (PMID: 16828325, 17712735, 30298498), which suggests that this may be a clinically significant amino acid residue. For these reasons, this variant has been classified as Pathogenic.

Dubai Health Genomic Medicine Center, Dubai Health
Classification: Pathogenic for Ethylmalonic encephalopathy. Last evaluated: 2024-10-04. Review status: criteria provided, single submitter. Criteria: ACMG Guidelines, 2015. Collection method: research. Allele origin: germline. Affected: yes. Not counted in ClinVar's aggregate classification.
Comment: PS3,PM3(strong),PM5,PP3

Revvity Omics, Revvity
Classification: Pathogenic for Ethylmalonic encephalopathy. Last evaluated: 2024-07-12. Review status: criteria provided, single submitter. Criteria: ACMG Guidelines, 2015. Collection method: clinical testing. Allele origin: germline. Not counted in ClinVar's aggregate classification.

Genomic Research Center, Shahid Beheshti University of Medical Sciences
Classification: Uncertain significance for Ethylmalonic encephalopathy. Last evaluated: 2024-05-06. Review status: criteria provided, single submitter. Criteria: ACMG Guidelines, 2015. Collection method: clinical testing. Allele origin: unknown. Not counted in ClinVar's aggregate classification.

Baylor Genetics
Classification: Pathogenic for Ethylmalonic encephalopathy. Last evaluated: 2024-03-21. Review status: criteria provided, single submitter. Criteria: ACMG Guidelines, 2015. Collection method: clinical testing. Allele origin: unknown. Not counted in ClinVar's aggregate classification.

Fulgent Genetics
Classification: Pathogenic for Ethylmalonic encephalopathy. Last evaluated: 2024-03-15. Review status: criteria provided, single submitter. Criteria: ACMG Guidelines, 2015. Collection method: clinical testing. Allele origin: germline. Not counted in ClinVar's aggregate classification.